The following is an entry in ClinVar:

NM_001122955.4(BSCL2):c.1150A>G (p.Thr384Ala)

Genes: BSCL2 (BSCL2 lipid droplet biogenesis associated, seipin; minus strand), HNRNPUL2-BSCL2 (HNRNPUL2-BSCL2 readthrough (NMD candidate); minus strand). Cytogenetic location: 11q12.3.
Variant type: single nucleotide variant.
Coding change: c.1150A>G on transcript NM_001122955.4 (MANE Select); coding-DNA position 1150, A replaced by G.
Protein change: p.Thr384Ala; replaces threonine 384 with alanine.
Molecular consequence: missense variant. On other transcripts: non-coding transcript variant (1), synonymous variant (1).
Genome position (GRCh38, 1-based): chr11:62,690,790, T>C on the plus strand (A>G on the coding strand, the complement: BSCL2 is on the minus strand). VCF-style: chr11-62690790-T-C. GRCh37 (hg19) VCF-style: chr11-62458262-T-C.
Other names: c.816A>G, p.Gly272= (NM_001130702.2); c.1156A>G, p.Thr386Ala (NM_001386027.1); c.1150A>G, p.Thr384Ala (NM_001386028.1); c.958A>G, p.Thr320Ala (NM_032667.6); short protein forms T384A, T320A, T386A.
Identifiers: ClinVar variation 2813729 (VCV002813729.3), dbSNP rs2539144048, ClinGen allele CA380956513.

ClinVar aggregate classification (germline): Uncertain significance (1 of 4 stars; one submission).

Conditions:
Charcot-Marie-Tooth disease type 2. Also called: Charcot-Marie-Tooth type 2. Identifiers: Orphanet 64746, MedGen C0270914, MONDO:0018993.

Submission:

Labcorp Genetics (formerly Invitae), Labcorp
Classification: Uncertain significance for Charcot-Marie-Tooth disease type 2. Last evaluated: 2022-11-14. Review status: criteria provided, single submitter. Criteria: Invitae Variant Classification Sherloc (09022015). Collection method: clinical testing. Allele origin: germline.
Comment: This sequence change replaces threonine, which is neutral and polar, with alanine, which is neutral and non-polar, at codon 320 of the BSCL2 protein (p.Thr320Ala). This variant is not present in population databases (gnomAD no frequency). This variant has not been reported in the literature in individuals affected with BSCL2-related conditions. Advanced modeling of protein sequence and biophysical properties (such as structural, functional, and spatial information, amino acid conservation, physicochemical variation, residue mobility, and thermodynamic stability) performed at Invitae indicates that this missense variant is not expected to disrupt BSCL2 protein function. Algorithms developed to predict the effect of sequence changes on RNA splicing suggest that this variant may create or strengthen a splice site. In summary, the available evidence is currently insufficient to determine the role of this variant in disease. Therefore, it has been classified as a Variant of Uncertain Significance.